The following is an entry in ClinVar:

ClinVar aggregate classification (germline): Uncertain significance. Review status: criteria provided, multiple submitters, no conflicts (2 of 4 stars). 4 submissions from 4 submitters: Uncertain significance (4). Last evaluated 2026-01-19.

Conditions:
Medium-chain acyl-coenzyme A dehydrogenase deficiency (ACADMD). Also called: CARNITINE DEFICIENCY SECONDARY TO MEDIUM-CHAIN ACYL-CoA DEHYDROGENASE DEFICIENCY; Medium chain acyl-CoA dehydrogenase deficiency; MCAD Deficiency; MCADD; ACADM DEFICIENCY; MCADH DEFICIENCY. Identifiers: Orphanet 42, MedGen C0220710, MONDO:0008721, OMIM 201450.

Allele frequency attached by ClinVar (database versions not stated): gnomAD exomes 0.00002 and 0.00007; ExAC 0.00006; gnomAD 0.00023 and 0.00028; TOPMed 0.00023; ESP Exome Variant Server 0.00031.
gnomAD v4.1: 69 of 1,612,702 alleles (0.0043%); highest among the groups gnomAD compares: African/African-American, 0.081%; no homozygotes.

Submissions (4):

Labcorp Genetics (formerly Invitae), Labcorp
Classification: Uncertain significance for Medium-chain acyl-coenzyme A dehydrogenase deficiency. Last evaluated: 2026-01-19. Review status: criteria provided, single submitter. Criteria: Invitae Variant Classification Sherloc (09022015). Collection method: clinical testing. Allele origin: germline.
Comment: This sequence change replaces glutamic acid, which is acidic and polar, with lysine, which is basic and polar, at codon 72 of the ACADM protein (p.Glu72Lys). This variant is present in population databases (rs374358376, gnomAD 0.1%). This variant has not been reported in the literature in individuals affected with ACADM-related conditions. ClinVar contains an entry for this variant (Variation ID: 1331307). An algorithm developed to predict the effect of missense changes on protein structure and function outputs the following: PolyPhen-2: "Benign". The lysine amino acid residue is found in multiple mammalian species, which suggests that this missense change does not adversely affect protein function. Algorithms developed to predict the effect of sequence changes on RNA splicing suggest that this variant may create or strengthen a splice site. In summary, the available evidence is currently insufficient to determine the role of this variant in disease. Therefore, it has been classified as a Variant of Uncertain Significance.

MGZ Medical Genetics Center
Classification: Uncertain significance for Medium-chain acyl-coenzyme A dehydrogenase deficiency. Last evaluated: 2022-05-04. Review status: criteria provided, single submitter. Criteria: ACMG Guidelines, 2015. Collection method: clinical testing. Allele origin: germline. Affected: yes. Observed: 1 variant allele.
Comment: ACMG criteria applied: PM2_SUP, PP3

Fulgent Genetics
Classification: Uncertain significance for Medium-chain acyl-coenzyme A dehydrogenase deficiency. Last evaluated: 2022-04-19. Review status: criteria provided, single submitter. Criteria: ACMG Guidelines, 2015. Collection method: clinical testing. Allele origin: unknown.

GeneDx
Classification: Uncertain significance. Last evaluated: 2021-07-01. Review status: criteria provided, single submitter. Criteria: GeneDx Variant Classification Process June 2021. Collection method: clinical testing. Allele origin: germline. Affected: yes.

NM_000016.6(ACADM):c.214G>A (p.Glu72Lys)

Gene: ACADM (acyl-CoA dehydrogenase medium chain; plus strand). Cytogenetic location: 1p31.1.
Variant type: single nucleotide variant.
Coding change: c.214G>A on transcript NM_000016.6 (MANE Select); coding-DNA position 214, G replaced by A.
Protein change: p.Glu72Lys; replaces glutamic acid 72 with lysine.
Molecular consequence: missense variant. On other transcripts: 5 prime UTR variant (1).
Genome position (GRCh38, 1-based): chr1:75,732,739, G>A. VCF-style: chr1-75732739-G-A. GRCh37 (hg19) VCF-style: chr1-76198424-G-A.
Other names: c.226G>A, p.Glu76Lys (NM_001127328.3); c.106G>A, p.Glu36Lys (NM_001286042.2); c.214G>A, p.Glu72Lys (NM_001286043.2); c.-172G>A (NM_001286044.2); short protein forms E36K, E72K, E76K.
Identifiers: ClinVar variation 1331307 (VCV001331307.7), dbSNP rs374358376, ClinGen allele CA912984.
Genomic context (GRCh38, chr1:75,732,739, plus strand): 5'-GCTCGTAAATTTGCCAGAGAGGAAATCATCCCAGTGGCTGCAGAATATGATAAAACTGGT[G>A]AAGTAGGTATATACATTTTAAAGAGGGAAAAATCTTTTACATTTTTTACAAGATTATGTA-3'
Protein context (NP_000007.1, residues 62-82): PVAAEYDKTG[Glu72Lys]YPVPLIRRAW